The following is an entry in ClinVar:

NM_022437.3(ABCG8):c.630G>T (p.Val210=)

Gene: ABCG8 (ATP binding cassette subfamily G member 8; plus strand). Cytogenetic location: 2p21.
Variant type: single nucleotide variant.
Coding change: c.630G>T on transcript NM_022437.3 (MANE Select); coding-DNA position 630, G replaced by T.
Protein change: p.Val210=; no amino-acid change (valine 210 retained).
Molecular consequence: synonymous variant.
Genome position (GRCh38, 1-based): chr2:43,852,422, G>T. VCF-style: chr2-43852422-G-T. GRCh37 (hg19) VCF-style: chr2-44079561-G-T.
Other names: c.630G>T, p.Val210= (NM_001357321.2).
Identifiers: ClinVar variation 3227790 (VCV003227790.2), dbSNP rs1315493538, ClinGen allele CA425872049.

ClinVar aggregate classification (germline): Likely benign. Review status: criteria provided, multiple submitters, no conflicts (2 of 4 stars). 2 submissions from 2 submitters: Likely benign (2). Last evaluated 2025-02-06.

Conditions:
ABCG8-related disorder. Also called: ABCG8-related condition.
Cardiovascular phenotype. Identifiers: MedGen CN230736.

Allele frequency attached by ClinVar (database versions not stated): gnomAD exomes below 0.00001; TOPMed 0.00001.

Submissions (2):

PreventionGenetics, part of Exact Sciences
Classification: Likely benign for ABCG8-related condition. Last evaluated: 2025-02-06. Review status: criteria provided, single submitter. Criteria: ACMG Guidelines, 2015. Collection method: clinical testing. Allele origin: germline.
Comment: This variant is classified as likely benign based on ACMG/AMP sequence variant interpretation guidelines (Richards et al. 2015 PMID: 25741868, with internal and published modifications).

Ambry Genetics
Classification: Likely benign for Cardiovascular phenotype. Last evaluated: 2024-02-01. Review status: criteria provided, single submitter. Criteria: Ambry Variant Classification Scheme 2023. Collection method: clinical testing. Allele origin: germline.